The following is an entry in ClinVar:

ClinVar aggregate classification (germline): Uncertain significance. Review status: criteria provided, multiple submitters, no conflicts (2 of 4 stars). 9 submissions from 9 submitters: Uncertain significance (5). 4 of the submissions do not count toward it. Last evaluated 2024-10-16.

Conditions:
Late-infantile neuronal ceroid lipofuscinosis. Also called: Jansky-Bielschowsky disease. Identifiers: MedGen C0022340, MONDO:0015674.
Neuronal ceroid lipofuscinosis 7 (CLN7). Also called: MFSD8-Related Neuronal Ceroid-Lipofuscinosis. Identifiers: Orphanet 168491, Orphanet 228366, MedGen C1838571, MONDO:0012588, OMIM 610951.
Inborn genetic diseases. Identifiers: MedGen C0950123, MeSH D030342.

Allele frequency attached by ClinVar (database versions not stated): ExAC 0.00004; gnomAD exomes 0.00007; TOPMed 0.00008; gnomAD 0.00010 and 0.00011; ESP Exome Variant Server 0.00015; 1000 Genomes Project 30x 0.00016; 1000 Genomes Project 0.00020.
gnomAD v4.1: 164 of 1,614,094 alleles (0.01%); highest among the groups gnomAD compares: Middle Eastern, 0.033%; no homozygotes.

Submissions (9):

Labcorp Genetics (formerly Invitae), Labcorp
Classification: Uncertain significance for Neuronal ceroid lipofuscinosis 7. Last evaluated: 2024-10-16. Review status: criteria provided, single submitter. Criteria: Invitae Variant Classification Sherloc (09022015). Collection method: clinical testing. Allele origin: germline.
Comment: This sequence change replaces serine, which is neutral and polar, with leucine, which is neutral and non-polar, at codon 402 of the MFSD8 protein (p.Ser402Leu). This variant is present in population databases (rs200745039, gnomAD 0.01%). This variant has not been reported in the literature in individuals affected with MFSD8-related conditions. ClinVar contains an entry for this variant (Variation ID: 347541). Invitae Evidence Modeling of protein sequence and biophysical properties (such as structural, functional, and spatial information, amino acid conservation, physicochemical variation, residue mobility, and thermodynamic stability) has been performed for this missense variant. However, the output from this modeling did not meet the statistical confidence thresholds required to predict the impact of this variant on MFSD8 protein function. In summary, the available evidence is currently insufficient to determine the role of this variant in disease. Therefore, it has been classified as a Variant of Uncertain Significance.

Blueprint Genetics
Classification: Uncertain significance. Last evaluated: 2023-10-27. Review status: criteria provided, single submitter. Criteria: ACMG Guidelines, 2015. Collection method: clinical testing. Allele origin: germline.

Ambry Genetics
Classification: Uncertain significance for Inborn genetic diseases. Last evaluated: 2021-02-23. Review status: criteria provided, single submitter. Criteria: Ambry Variant Classification Scheme 2023. Collection method: clinical testing. Allele origin: germline.
Comment: The c.1205C>T (p.S402L) alteration is located in exon 12 (coding exon 11) of the MFSD8 gene. This alteration results from a C to T substitution at nucleotide position 1205, causing the serine (S) at amino acid position 402 to be replaced by a leucine (L). The p.S402L alteration is predicted to be tolerated by in silico analysis. Based on insufficient or conflicting evidence, the clinical significance of this alteration remains unclear.

Eurofins Ntd Llc (ga)
Classification: Uncertain significance. Last evaluated: 2018-06-28. Review status: criteria provided, single submitter. Criteria: EGL ClinVar v180209 classification definitions. Collection method: clinical testing. Allele origin: germline. Observed: 3 variant alleles, 3 heterozygotes.

Illumina Laboratory Services, Illumina
Classification: Uncertain significance for Neuronal ceroid lipofuscinosis 7. Last evaluated: 2018-01-13. Review status: criteria provided, single submitter. Criteria: ICSL Variant Classification Criteria 13 December 2019. Collection method: clinical testing. Allele origin: germline.

Natera, Inc.
Classification: Uncertain significance for Late-infantile neuronal ceroid lipofuscinosis. Last evaluated: 2020-09-16. Review status: no assertion criteria provided. Collection method: clinical testing. Allele origin: germline. Not counted in ClinVar's aggregate classification.

Clinical Genetics DNA and cytogenetics Diagnostics Lab, Erasmus MC, Erasmus Medical Center
Classification: Uncertain significance. Review status: no assertion criteria provided. Collection method: clinical testing. Allele origin: germline. Affected: yes. Study: VKGL Data-share Consensus. Not counted in ClinVar's aggregate classification.

Clinical Genetics, Academic Medical Center
Classification: Uncertain significance. Review status: no assertion criteria provided. Collection method: clinical testing. Allele origin: germline. Affected: yes. Study: VKGL Data-share Consensus. Not counted in ClinVar's aggregate classification.

Diagnostic Laboratory, Department of Genetics, University Medical Center Groningen
Classification: Uncertain significance. Review status: no assertion criteria provided. Collection method: clinical testing. Allele origin: germline. Affected: yes. Study: VKGL Data-share Consensus. Not counted in ClinVar's aggregate classification.

NM_001371596.2(MFSD8):c.1205C>T (p.Ser402Leu)

Gene: MFSD8 (major facilitator superfamily domain containing 8; minus strand). Cytogenetic location: 4q28.2.
Variant type: single nucleotide variant.
Coding change: c.1205C>T on transcript NM_001371596.2 (MANE Select); coding-DNA position 1205, C replaced by T.
Protein change: p.Ser402Leu; replaces serine 402 with leucine.
Molecular consequence: missense variant.
Genome position (GRCh38, 1-based): chr4:127,921,669, G>A on the plus strand (C>T on the coding strand, the complement: MFSD8 is on the minus strand). VCF-style: chr4-127921669-G-A. GRCh37 (hg19) VCF-style: chr4-128842824-G-A.
Other names: c.1004C>T, p.Ser335Leu (NM_001363520.3); c.890C>T, p.Ser297Leu (NM_001363521.3); c.1070C>T, p.Ser357Leu (NM_001371590.2); c.1205C>T, p.Ser402Leu (NM_001371591.2, NM_152778.4); c.1211C>T, p.Ser404Leu (NM_001371592.2); c.1091C>T, p.Ser364Leu (NM_001371593.2); c.1058C>T, p.Ser353Leu (NM_001371594.2); c.923C>T, p.Ser308Leu (NM_001371595.1); and 2 more; short protein forms S402L, S297L, S335L, S308L, S353L, S357L, S364L, S404L.
Identifiers: ClinVar variation 347541 (VCV000347541.23), dbSNP rs200745039, ClinGen allele CA3077270.